The following is an entry in ClinVar:

ClinVar aggregate classification (germline): Uncertain significance (1 of 4 stars; one submission).

Submission:

Ambry Genetics
Classification: Uncertain significance. Last evaluated: 2022-12-12. Review status: criteria provided, single submitter. Criteria: Ambry Variant Classification Scheme 2023. Collection method: clinical testing. Allele origin: germline.
Comment: The p.D382V variant (also known as c.1145A>T), located in coding exon 12 of the PRKDC gene, results from an A to T substitution at nucleotide position 1145. The aspartic acid at codon 382 is replaced by valine, an amino acid with highly dissimilar properties. This amino acid position is conserved. In addition, the in silico prediction for this alteration is inconclusive. Since supporting evidence is limited at this time, the clinical significance of this alteration remains unclear.

NM_006904.7(PRKDC):c.1145A>T (p.Asp382Val)

Gene: PRKDC (protein kinase, DNA-activated, catalytic subunit; minus strand). Cytogenetic location: 8q11.21.
Variant type: single nucleotide variant.
Coding change: c.1145A>T on transcript NM_006904.7 (MANE Select); coding-DNA position 1145, A replaced by T.
Protein change: p.Asp382Val; replaces aspartic acid 382 with valine.
Molecular consequence: missense variant.
Genome position (GRCh38, 1-based): chr8:47,936,486, T>A on the plus strand (A>T on the coding strand, the complement: PRKDC is on the minus strand). VCF-style: chr8-47936486-T-A. GRCh37 (hg19) VCF-style: chr8-48849046-T-A.
Other names: c.1145A>T, p.Asp382Val (NM_001081640.2); short protein forms D382V.
Identifiers: ClinVar variation 2449839 (VCV002449839.2), dbSNP rs2090354542, ClinGen allele CA371166333.